The following is an entry in ClinVar:

ClinVar aggregate classification (germline): Uncertain significance (1 of 4 stars; one submission).

Submission:

GeneDx
Classification: Uncertain significance. Last evaluated: 2024-09-26. Review status: criteria provided, single submitter. Criteria: GeneDx Variant Classification Process June 2021. Collection method: clinical testing. Allele origin: germline. Affected: yes.
Comment: Not observed at significant frequency in large population cohorts (gnomAD); In silico analysis supports that this missense variant has a deleterious effect on protein structure/function; Has not been previously published as pathogenic or benign to our knowledge

NM_001282531.3(ADNP):c.329C>G (p.Pro110Arg)

Gene: ADNP (activity dependent neuroprotector homeobox; minus strand). Cytogenetic location: 20q13.13.
Variant type: single nucleotide variant.
Coding change: c.329C>G on transcript NM_001282531.3 (MANE Select); coding-DNA position 329, C replaced by G.
Protein change: p.Pro110Arg; replaces proline 110 with arginine.
Molecular consequence: missense variant.
Genome position (GRCh38, 1-based): chr20:50,894,385, G>C on the plus strand (C>G on the coding strand, the complement: ADNP is on the minus strand). VCF-style: chr20-50894385-G-C. GRCh37 (hg19) VCF-style: chr20-49510922-G-C.
Other names: c.329C>G, p.Pro110Arg (NM_001282532.2, NM_001347511.2, NM_015339.5 and 1 more transcripts); short protein forms P110R.
Identifiers: ClinVar variation 3774720 (VCV003774720.1).